The following is an entry in ClinVar:

NM_001267550.2(TTN):c.63187+20T>C

Genes: TTN (titin; minus strand), TTN-AS1 (TTN antisense RNA 1; plus strand). Cytogenetic location: 2q31.2.
Variant type: single nucleotide variant.
Coding change: c.63187+20T>C on transcript NM_001267550.2 (MANE Select); 20 bases into the intron after coding-DNA position 63187, T replaced by C.
Molecular consequence: intron variant.
Genome position (GRCh38, 1-based): chr2:178,588,518, A>G on the plus strand (T>C on the coding strand, the complement: TTN is on the minus strand). VCF-style: chr2-178588518-A-G. GRCh37 (hg19) VCF-style: chr2-179453245-A-G.
Other names: c.58264+20T>C (NM_001256850.1); c.35992+20T>C (NM_003319.4); c.36568+20T>C (NM_133437.4); c.36367+20T>C (NM_133432.3); c.55483+20T>C (NM_133378.4).
Identifiers: ClinVar variation 390129 (VCV000390129.1), dbSNP rs1057523652, ClinGen allele CA16604141.

ClinVar aggregate classification (germline): Likely benign (1 of 4 stars; one submission).

Submission:

GeneDx
Classification: Likely benign. Last evaluated: 2016-11-02. Review status: criteria provided, single submitter. Criteria: GeneDx Variant Classification (06012015). Collection method: clinical testing. Allele origin: germline. Affected: yes.
Comment: This variant is considered likely benign or benign based on one or more of the following criteria: it is a conservative change, it occurs at a poorly conserved position in the protein, it is predicted to be benign by multiple in silico algorithms, and/or has population frequency not consistent with disease.